The following is an entry in ClinVar:

ClinVar aggregate classification (germline): Uncertain significance (1 of 4 stars; one submission).

Conditions:
Neuronal ceroid lipofuscinosis. Also called: Neuronal Ceroid Lipofuscinoses. Identifiers: Orphanet 216, Orphanet 79263, MedGen C0027877, MONDO:0016295. Disease mechanism: loss of function.

Allele frequency attached by ClinVar (database versions not stated): gnomAD exomes below 0.00001; gnomAD 0.00001; TOPMed 0.00001.
gnomAD v4.1: 8 of 1,600,660 alleles (0.0005%); highest among the groups gnomAD compares: African/African-American, 0.0013%; no homozygotes.

Submission:

Labcorp Genetics (formerly Invitae), Labcorp
Classification: Uncertain significance for Neuronal ceroid lipofuscinosis. Last evaluated: 2021-08-31. Review status: criteria provided, single submitter. Criteria: Invitae Variant Classification Sherloc (09022015). Collection method: clinical testing. Allele origin: germline.
Comment: This sequence change replaces proline with leucine at codon 88 of the CLN5 protein (p.Pro88Leu). The proline residue is weakly conserved and there is a moderate physicochemical difference between proline and leucine. This variant is not present in population databases (ExAC no frequency). This variant has not been reported in the literature in individuals affected with CLN5-related conditions. Algorithms developed to predict the effect of missense changes on protein structure and function output the following: SIFT: "Tolerated"; PolyPhen-2: "Benign"; Align-GVGD: "Class C0". The leucine amino acid residue is found in multiple mammalian species, which suggests that this missense change does not adversely affect protein function. In summary, the available evidence is currently insufficient to determine the role of this variant in disease. Therefore, it has been classified as a Variant of Uncertain Significance.

NM_006493.4(CLN5):c.116C>T (p.Pro39Leu)

Genes: CLN5 (CLN5 lysosomal BMP synthase; plus strand), LOC130009913 (ATAC-STARR-seq lymphoblastoid silent region 5414; plus strand). Cytogenetic location: 13q22.3.
Variant type: single nucleotide variant.
Coding change: c.116C>T on transcript NM_006493.4 (MANE Select); coding-DNA position 116, C replaced by T.
Protein change: p.Pro39Leu; replaces proline 39 with leucine.
Molecular consequence: missense variant.
Genome position (GRCh38, 1-based): chr13:76,992,214, C>T. VCF-style: chr13-76992214-C-T. GRCh37 (hg19) VCF-style: chr13-77566349-C-T.
Other names: c.116C>T, p.Pro39Leu (NM_001366624.2); c.263C>T (LRG_692t1); short protein forms P39L.
Identifiers: ClinVar variation 527747 (VCV000527747.7), dbSNP rs1285996011, ClinGen allele CA388306634.
Genomic context (GRCh38, chr13:76,992,214, plus strand): 5'-CGGCTCGGGGACGCGCTTCCTGGTGCTGGGCCCTGGCGCTGCTTTGGCTCGCGGTGGTTC[C>T]GGGCTGGTCCCGGGTCTCGGGCATCCCCTCCCGGCGCCACTGGCCGGTGCCCTACAAGTG-3'
Protein context (NP_006484.2, residues 29-49): ALALLWLAVV[Pro39Leu]GWSRVSGIPS